The following is an entry in ClinVar:

NM_015525.4(IBTK):c.660T>A (p.Pro220=)

Gene: IBTK (inhibitor of Bruton tyrosine kinase; minus strand). Cytogenetic location: 6q14.1.
Variant type: single nucleotide variant.
Coding change: c.660T>A on transcript NM_015525.4 (MANE Select); coding-DNA position 660, T replaced by A.
Protein change: p.Pro220=; no amino-acid change (proline 220 retained).
Molecular consequence: synonymous variant.
Genome position (GRCh38, 1-based): chr6:82,225,642, A>T on the plus strand (T>A on the coding strand, the complement: IBTK is on the minus strand). VCF-style: chr6-82225642-A-T. GRCh37 (hg19) VCF-style: chr6-82935359-A-T.
Other names: c.660T>A, p.Pro220= (NM_001300906.2).
Identifiers: ClinVar variation 2656725 (VCV002656725.24), dbSNP rs1264731636, ClinGen allele CA451027915.

ClinVar aggregate classification (germline): Likely benign (1 of 4 stars; one submission).

Allele frequency attached by ClinVar (database versions not stated): TOPMed below 0.00001.

Submission:

CeGaT Center for Human Genetics Tuebingen
Classification: Likely benign. Last evaluated: 2022-10-01. Review status: criteria provided, single submitter. Criteria: CeGaT Center For Human Genetics Tuebingen Variant Classification Criteria Version 2. Collection method: clinical testing. Allele origin: germline. Affected: yes. Observed: 1 variant allele.
Comment: IBTK: PM2:Supporting, BP4, BP7